The following is an entry in ClinVar:

ClinVar aggregate classification (germline): Likely benign (1 of 4 stars; one submission).

Allele frequency attached by ClinVar (database versions not stated): gnomAD exomes 0.00332; gnomAD 0.00747 and 0.00754; TOPMed 0.00821; 1000 Genomes Project 0.01218; 1000 Genomes Project 30x 0.01359.
gnomAD v4.1: 2,982 of 703,780 alleles (0.42%); highest among the groups gnomAD compares: East Asian, 2.2%; 34 homozygotes.

Submission:

GeneDx
Classification: Likely benign. Last evaluated: 2018-06-16. Review status: criteria provided, single submitter. Criteria: GeneDx Variant Classification (06012015). Collection method: clinical testing. Allele origin: germline. Affected: yes.
Comment: This variant is considered likely benign or benign based on one or more of the following criteria: it is a conservative change, it occurs at a poorly conserved position in the protein, it is predicted to be benign by multiple in silico algorithms, and/or has population frequency not consistent with disease.

NM_130837.3(OPA1):c.2779-149T>C

Gene: OPA1 (OPA1 mitochondrial dynamin like GTPase; plus strand). Cytogenetic location: 3q29.
Variant type: single nucleotide variant.
Coding change: c.2779-149T>C on transcript NM_130837.3 (MANE Select); 149 bases into the intron before coding-DNA position 2779, T replaced by C.
Molecular consequence: intron variant.
Genome position (GRCh38, 1-based): chr3:193,666,147, T>C. VCF-style: chr3-193666147-T-C. GRCh37 (hg19) VCF-style: chr3-193383936-T-C.
Other names: c.2242-149T>C (NM_001354664.2); c.2245-149T>C (NM_001354663.2); c.2668-149T>C (NM_130834.3); c.2725-149T>C (NM_130836.3); c.2614-149T>C (NM_015560.3); c.2671-149T>C (NM_130835.3); c.2560-149T>C (NM_130832.3); c.2617-149T>C (NM_130833.3); and 1 more.
Identifiers: ClinVar variation 675565 (VCV000675565.1), dbSNP rs74450886, ClinGen allele CA90557208.
Genomic context (GRCh38, chr3:193,666,147, plus strand): 5'-GTCAGACAGATATAAGCCAAATTATGCAGAATTTCATGGCTCCGTACAGAAAGGATTCTG[T>C]AGCTTATATCTACAGTATATGCATTAGGTAAATCTGAGTACTTTTTAAGCTTAGGACATA-3'